The following is an entry in ClinVar:

NM_003072.5(SMARCA4):c.4905A>T (p.Gln1635His)

Gene: SMARCA4 (SWI/SNF related BAF chromatin remodeling complex subunit ATPase 4; plus strand). Cytogenetic location: 19p13.2.
Variant type: single nucleotide variant.
Coding change: c.4905A>T on transcript NM_003072.5 (MANE Select); coding-DNA position 4905, A replaced by T.
Protein change: p.Gln1635His; replaces glutamine 1635 with histidine.
Molecular consequence: missense variant. On other transcripts: non-coding transcript variant (1).
Genome position (GRCh38, 1-based): chr19:11,060,181, A>T. VCF-style: chr19-11060181-A-T. GRCh37 (hg19) VCF-style: chr19-11170857-A-T.
Other names: c.4905A>T, p.Gln1635His (NM_001128844.3); c.4815A>T, p.Gln1605His (NM_001128845.2); c.4812A>T, p.Gln1604His (NM_001128846.2); c.4806A>T, p.Gln1602His (NM_001128847.4, NM_001374457.1); c.4803A>T, p.Gln1601His (NM_001128848.2); c.5001A>T, p.Gln1667His (NM_001128849.3, NM_001387283.1); c.4902A>T, p.Gln1634His (NM_001411150.1); short protein forms Q1601H, Q1634H, Q1602H, Q1605H, Q1667H, Q1604H, Q1635H.
Identifiers: ClinVar variation 3446002 (VCV003446002.1).

ClinVar aggregate classification (germline): Uncertain significance (1 of 4 stars; one submission).

Conditions:
Hereditary cancer-predisposing syndrome. Also called: Tumor predisposition; Neoplastic Syndromes, Hereditary; Hereditary neoplastic syndrome; Hereditary Cancer Syndrome. Identifiers: Orphanet 140162, MedGen C0027672, MeSH D009386, MONDO:0015356.

Submission:

Ambry Genetics
Classification: Uncertain significance for Hereditary cancer-predisposing syndrome. Last evaluated: 2024-09-18. Review status: criteria provided, single submitter. Criteria: Ambry Variant Classification Scheme 2023. Collection method: clinical testing. Allele origin: germline.
Comment: The p.Q1667H variant (also known as c.5001A>T), located in coding exon 34 of the SMARCA4 gene, results from an A to T substitution at nucleotide position 5001. The glutamine at codon 1667 is replaced by histidine, an amino acid with highly similar properties. This amino acid position is conserved. In addition, the in silico prediction for this alteration is inconclusive. Based on the available evidence, the clinical significance of this variant remains unclear.